The following is an entry in ClinVar:

NM_001352514.2(HLCS):c.2236+180A>G

Gene: HLCS (holocarboxylase synthetase; minus strand). Cytogenetic location: 21q22.13.
Variant type: single nucleotide variant.
Coding change: c.2236+180A>G on transcript NM_001352514.2 (MANE Select); 180 bases into the intron after coding-DNA position 2236, A replaced by G.
Molecular consequence: intron variant.
Genome position (GRCh38, 1-based): chr21:36,759,547, T>C on the plus strand (A>G on the coding strand, the complement: HLCS is on the minus strand). VCF-style: chr21-36759547-T-C. GRCh37 (hg19) VCF-style: chr21-38131848-T-C.
Other names: c.1795+180A>G (NM_001352517.1, NM_001242785.2, NM_001352515.2 and 4 more transcripts).
Identifiers: ClinVar variation 680607 (VCV000680607.2), dbSNP rs2073418, ClinGen allele CA320418515.

ClinVar aggregate classification (germline): Benign. Review status: criteria provided, multiple submitters, no conflicts (2 of 4 stars). 2 submissions from 2 submitters: Benign (2). Last evaluated 2018-06-19.

Allele frequency attached by ClinVar (database versions not stated): gnomAD 0.06051 and 0.06199; 1000 Genomes Project 0.06569; 1000 Genomes Project 30x 0.06590; TOPMed 0.06705.
gnomAD v4.1: 9,276 of 152,316 alleles (6.1%); highest among the groups gnomAD compares: African/African-American, 9.8%; 364 homozygotes.

Submissions (2):

GeneDx
Classification: Benign. Last evaluated: 2018-06-19. Review status: criteria provided, single submitter. Criteria: GeneDx Variant Classification (06012015). Collection method: clinical testing. Allele origin: germline. Affected: yes.
Comment: This variant is considered likely benign or benign based on one or more of the following criteria: it is a conservative change, it occurs at a poorly conserved position in the protein, it is predicted to be benign by multiple in silico algorithms, and/or has population frequency not consistent with disease.

Breakthrough Genomics
Classification: Benign. Review status: criteria provided, single submitter. Criteria: ACMG Guidelines, 2015. Collection method: not provided. Allele origin: germline. Inheritance: Autosomal recessive inheritance. Affected: yes.